The following is an entry in ClinVar:

NM_004484.4(GPC3):c.1615A>G (p.Ser539Gly)

Gene: GPC3 (glypican 3; minus strand). Cytogenetic location: Xq26.2.
Variant type: single nucleotide variant.
Coding change: c.1615A>G on transcript NM_004484.4 (MANE Select); coding-DNA position 1615, A replaced by G.
Protein change: p.Ser539Gly; replaces serine 539 with glycine.
Molecular consequence: missense variant.
Genome position (GRCh38, 1-based): chrX:133,536,252, T>C on the plus strand (A>G on the coding strand, the complement: GPC3 is on the minus strand). VCF-style: chrX-133536252-T-C. GRCh37 (hg19) VCF-style: chrX-132670280-T-C.
Other names: c.1453A>G, p.Ser485Gly (NM_001164619.2); c.1684A>G, p.Ser562Gly (NM_001164617.2); c.1567A>G, p.Ser523Gly (NM_001164618.2); short protein forms S485G, S562G, S523G, S539G.
Identifiers: ClinVar variation 1367254 (VCV001367254.9), dbSNP rs2069290326, ClinGen allele CA414703113.

ClinVar aggregate classification (germline): Uncertain significance. Review status: criteria provided, multiple submitters, no conflicts (2 of 4 stars). 2 submissions from 2 submitters: Uncertain significance (2). Last evaluated 2024-04-18.

Conditions:
Wilms tumor 1 (WT1). Also called: Wilms tumor, somatic. Identifiers: Orphanet 654, MedGen CN033288, MONDO:0008679, OMIM 194070.
Simpson-Golabi-Behmel syndrome type 1 (SGBS1). Also called: GPC3-Related Simpson-Golabi-Behmel Syndrome Type 1; BULLDOG SYNDROME; DYSPLASIA GIGANTISM SYNDROME, X-LINKED; GOLABI-ROSEN SYNDROME; SIMPSON DYSMORPHIA SYNDROME. Identifiers: Orphanet 373, MedGen C0796154, MONDO:0020602, OMIM 312870.

Allele frequency attached by ClinVar (database versions not stated): gnomAD exomes below 0.00001; TOPMed 0.00001.
gnomAD v4.1: 1 of 1,205,785 alleles (0.000083%); highest among the groups gnomAD compares: Non-Finnish European, 0.00011%; no homozygotes.

Submissions (2):

Fulgent Genetics
Classification: Uncertain significance for Wilms tumor 1; Simpson-Golabi-Behmel syndrome type 1. Last evaluated: 2024-04-18. Review status: criteria provided, single submitter. Criteria: ACMG Guidelines, 2015. Collection method: clinical testing. Allele origin: germline.

Labcorp Genetics (formerly Invitae), Labcorp
Classification: Uncertain significance for Wilms tumor 1. Last evaluated: 2022-07-25. Review status: criteria provided, single submitter. Criteria: Invitae Variant Classification Sherloc (09022015). Collection method: clinical testing. Allele origin: germline.
Comment: This variant has not been reported in the literature in individuals affected with GPC3-related conditions. ClinVar contains an entry for this variant (Variation ID: 1367254). Algorithms developed to predict the effect of missense changes on protein structure and function (SIFT, PolyPhen-2, Align-GVGD) all suggest that this variant is likely to be tolerated. In summary, the available evidence is currently insufficient to determine the role of this variant in disease. Therefore, it has been classified as a Variant of Uncertain Significance. This sequence change replaces serine, which is neutral and polar, with glycine, which is neutral and non-polar, at codon 539 of the GPC3 protein (p.Ser539Gly). This variant is not present in population databases (gnomAD no frequency).